The following is an entry in ClinVar:

NM_000186.4(CFH):c.1501G>C (p.Ala501Pro)

Gene: CFH (complement factor H; plus strand). Cytogenetic location: 1q31.3.
Variant type: single nucleotide variant.
Coding change: c.1501G>C on transcript NM_000186.4 (MANE Select); coding-DNA position 1501, G replaced by C.
Protein change: p.Ala501Pro; replaces alanine 501 with proline.
Molecular consequence: missense variant.
Genome position (GRCh38, 1-based): chr1:196,713,899, G>C. VCF-style: chr1-196713899-G-C. GRCh37 (hg19) VCF-style: chr1-196683029-G-C.
Other names: short protein forms A501P.
Identifiers: ClinVar variation 1994112 (VCV001994112.4), dbSNP rs2529467421, ClinGen allele CA343982425.
Genomic context (GRCh38, chr1:196,713,899, plus strand): 5'-TATGTAACAGCAGATGGTGAAACATCAGGATCAATTACATGTGGGAAAGATGGATGGTCA[G>C]CTCAACCCACGTGCATTAGTAAGTAATTTATTATGTTTGTATTGATTATCCAGATGATAC-3'
Protein context (NP_000177.2, residues 491-511): SITCGKDGWS[Ala501Pro]QPTCIKSCDI

ClinVar aggregate classification (germline): Uncertain significance (1 of 4 stars; one submission).

Submission:

Labcorp Genetics (formerly Invitae), Labcorp
Classification: Uncertain significance. Last evaluated: 2022-09-29. Review status: criteria provided, single submitter. Criteria: Invitae Variant Classification Sherloc (09022015). Collection method: clinical testing. Allele origin: germline.
Comment: This variant has not been reported in the literature in individuals affected with CFH-related conditions. Algorithms developed to predict the effect of missense changes on protein structure and function output the following: SIFT: "Tolerated"; PolyPhen-2: "Benign"; Align-GVGD: "Class C0". The proline amino acid residue is found in multiple mammalian species, which suggests that this missense change does not adversely affect protein function. In summary, the available evidence is currently insufficient to determine the role of this variant in disease. Therefore, it has been classified as a Variant of Uncertain Significance. This variant is not present in population databases (gnomAD no frequency). This sequence change replaces alanine, which is neutral and non-polar, with proline, which is neutral and non-polar, at codon 501 of the CFH protein (p.Ala501Pro).